The following is an entry in ClinVar:

NM_014516.4(CNOT3):c.732dup (p.Ser245fs)

Gene: CNOT3 (CCR4-NOT transcription complex subunit 3; plus strand). Cytogenetic location: 19q13.42.
Variant type: Indel.
Coding change: c.732dup on transcript NM_014516.4 (MANE Select); coding-DNA position 732, one base duplicated (C; older notation c.732dupC).
Protein change: p.Ser245fs; shifts the reading frame from serine 245.
Molecular consequence: frameshift variant.
Genome position (GRCh38, 1-based): chr19:54,145,938, C duplicated; the last of 8 consecutive C bases (chr19:54,145,931-54,145,938); duplicating any one gives the same sequence. VCF-style (leftmost placement, unchanged base first): chr19-54145930-T-TC. GRCh37 (hg19) VCF-style: chr19-54649671-T-CC.
Other names: p.Ser245Glnfs*8; c.732dupC (NM_014516.3); short protein forms S245fs.
Identifiers: ClinVar variation 694669 (VCV000694669.7), dbSNP rs753475896, ClinGen allele CA309339170.

ClinVar aggregate classification (germline): Pathogenic/Likely pathogenic. Review status: criteria provided, multiple submitters, no conflicts (2 of 4 stars). 6 submissions from 6 submitters: Pathogenic (2); Likely pathogenic (2). 2 of the submissions do not count toward it. Last evaluated 2025-05-21.

Conditions:
Intellectual developmental disorder with speech delay, autism, and dysmorphic facies. Identifiers: MedGen C5231456, MONDO:0032864, OMIM 618672.
Inborn genetic diseases. Identifiers: MedGen C0950123, MeSH D030342.
CNOT3-related disorder. Also called: CNOT3-related condition.

Submissions (6):

Mendelics
Classification: Likely pathogenic for Intellectual developmental disorder with speech delay, autism, and dysmorphic facies. Last evaluated: 2025-05-21. Review status: criteria provided, single submitter. Criteria: Mendelics Assertion Criteria 2019. Collection method: clinical testing. Allele origin: germline.
Comment: A variant adjacent to a polyC trait. Frequency in GnomAD4.1.0: 0.00003795; frequency in GnomAD3.1.2: 0. Variant listed in OMIM tables. Variant described in literature: PMID 34208845

3billion
Classification: Likely pathogenic for Intellectual developmental disorder with speech delay, autism, and dysmorphic facies. Last evaluated: 2024-11-15. Review status: criteria provided, single submitter. Criteria: ACMG Guidelines, 2015. Collection method: clinical testing. Allele origin: germline. Affected: yes.
Comment: The variant is observed at an extremely low frequency in the gnomAD v4.1.0 dataset (total allele frequency: 0.004%). However, it is uncertain if the variants called in the gnomAD dataset is valid. Predicted Consequence/Location: Frameshift: predicted to result in a loss or disruption of normal protein function through nonsense-mediated decay (NMD) or protein truncation. Multiple pathogenic variants are reported downstream of the variant. The variant has been reported at least twice as pathogenic without evidence for the classification (ClinVar ID: VCV000694669). Therefore, this variant is classified as Likely pathogenic according to the recommendation of ACMG/AMP guideline.

Ambry Genetics
Classification: Pathogenic for Inborn genetic diseases. Last evaluated: 2024-10-15. Review status: criteria provided, single submitter. Criteria: Ambry Variant Classification Scheme 2023. Collection method: clinical testing. Allele origin: germline.
Comment: The c.732dupC (p.S245Qfs*8) alteration, located in exon 9 (coding exon 8) of the CNOT3 gene, consists of a duplication of C at position 732, causing a translational frameshift with a predicted alternate stop codon after 8 amino acids. This alteration is expected to result in loss of function by premature protein truncation or nonsense-mediated mRNA decay. This alteration was flagged as a low confidence call in the Genome Aggregation Database (gnomAD). This variant has been determined to be the result of a de novo mutation in multiple individuals with features consistent with CNOT3-related neurodevelopmental disorder (Martin, 2019; Priolo, 2021). Based on the available evidence, this alteration is classified as pathogenic.

Molecular Diagnostics Laboratory, M Health Fairview: University of Minnesota
Classification: Pathogenic for Intellectual developmental disorder with speech delay, autism, and dysmorphic facies. Last evaluated: 2021-08-19. Review status: criteria provided, single submitter. Criteria: ACMG Guidelines, 2015. Collection method: clinical testing. Allele origin: de novo. Affected: yes.

PreventionGenetics, part of Exact Sciences
Classification: Likely pathogenic for CNOT3-related condition. Last evaluated: 2024-08-28. Review status: no assertion criteria provided. Collection method: clinical testing. Allele origin: germline. Not counted in ClinVar's aggregate classification.
Comment: The CNOT3 c.732dupC variant is predicted to result in a frameshift and premature protein termination (p.Ser245Glnfs*8). This variant has been reported de novo in at least two individuals with intellectual developmental disorder with speech delay, autism, and dysmorphic facies (IDDSADF) (McRae et al. 2017. PubMed ID: 28135719; Priolo et al. 2021. PubMed ID: 34208845). This variant has not been reported in a large population database, indicating this variant is rare. Taken together, this variant is interpreted as pathogenic.

OMIM
Classification: Pathogenic for INTELLECTUAL DEVELOPMENTAL DISORDER WITH SPEECH DELAY, AUTISM, AND DYSMORPHIC FACIES. Last evaluated: 2019-11-27. Review status: no assertion criteria provided. Collection method: literature only. Allele origin: germline. Not counted in ClinVar's aggregate classification.

Literature cited by the submitters: PubMed 34208845 (cited by Mendelics and Ambry Genetics); PubMed 31201375 (cited by Ambry Genetics and OMIM).